The following is an entry in ClinVar:

ClinVar aggregate classification (germline): Conflicting classifications of pathogenicity. Review status: criteria provided, conflicting classifications (1 of 4 stars). 2 submissions from 2 submitters: Pathogenic (1); Uncertain significance (1). Last evaluated 2025-12-29.

Conditions:
Dilated cardiomyopathy 1O (CMD1O). Also called: CARDIOMYOPATHY, DILATED, WITH VENTRICULAR TACHYCARDIA. Identifiers: Orphanet 154, MedGen C1837839, MONDO:0012062, OMIM 608569.

Submissions (2):

Labcorp Genetics (formerly Invitae), Labcorp
Classification: Pathogenic for Dilated cardiomyopathy 1O. Last evaluated: 2025-12-29. Review status: criteria provided, single submitter. Criteria: Invitae Variant Classification Sherloc (09022015). Collection method: clinical testing. Allele origin: germline.
Comment: This sequence change creates a premature translational stop signal (p.Ile1102Thrfs*13) in the ABCC9 gene. It is expected to result in an absent or disrupted protein product. Loss-of-function variants in ABCC9 are known to be pathogenic (PMID: 31575858, 38217872). This variant is present in population databases (no rsID available, gnomAD 0.007%). This variant has not been reported in the literature in individuals affected with ABCC9-related conditions. ClinVar contains an entry for this variant (Variation ID: 3685544). For these reasons, this variant has been classified as Pathogenic.

Blueprint Genetics
Classification: Uncertain significance. Last evaluated: 2023-08-03. Review status: criteria provided, single submitter. Criteria: ACMG Guidelines, 2015. Collection method: clinical testing. Allele origin: germline.

Literature cited by the submitters: PubMed 31575858 (cited by Labcorp Genetics (formerly Invitae), Labcorp); PubMed 38217872 (cited by Labcorp Genetics (formerly Invitae), Labcorp).

NM_020297.4(ABCC9):c.3305del (p.Ile1102fs)

Gene: ABCC9 (ATP binding cassette subfamily C member 9; minus strand). Cytogenetic location: 12p12.1.
Variant type: Deletion.
Coding change: c.3305del on transcript NM_020297.4 (MANE Select); coding-DNA position 3305, one base deleted (T; older notation c.3305delT).
Protein change: p.Ile1102fs; shifts the reading frame from isoleucine 1102.
Molecular consequence: frameshift variant.
Genome position (GRCh38, 1-based): chr12:21,844,493, A deleted on the plus strand (T on the coding strand, the reverse complement: ABCC9 is on the minus strand). VCF-style (leftmost placement, unchanged base first): chr12-21844492-GA-G. GRCh37 (hg19) VCF-style: chr12-21997426-GA-G.
Other names: c.3305del, p.Ile1102fs (NM_001377273.1, NM_005691.4); c.2438del, p.Ile813fs (NM_001377274.1); short protein forms I1102fs, I813fs.
Identifiers: ClinVar variation 3685544 (VCV003685544.3).